The following is an entry in ClinVar:

ClinVar aggregate classification (germline): Uncertain significance (1 of 4 stars; one submission).

Conditions:
WDR7-related disorder. Also called: WDR7-related condition.

Submission:

PreventionGenetics, part of Exact Sciences
Classification: Uncertain significance for WDR7-related condition. Last evaluated: 2026-09-16. Review status: criteria provided, single submitter. Criteria: ACMG Guidelines, 2015. Collection method: clinical testing. Allele origin: germline.
Comment: The WDR7 c.3010T>C variant is predicted to result in the amino acid substitution p.Phe1004Leu. To our knowledge, this variant has not been reported in the literature or in a large population database (gnomAD), indicating this variant is rare. At this time, the clinical significance of this variant is uncertain due to the absence of conclusive functional and genetic evidence.

NM_015285.3(WDR7):c.3010T>C (p.Phe1004Leu)

Gene: WDR7 (WD repeat domain 7; plus strand). Cytogenetic location: 18q21.31.
Variant type: single nucleotide variant.
Coding change: c.3010T>C on transcript NM_015285.3 (MANE Select); coding-DNA position 3010, T replaced by C.
Protein change: p.Phe1004Leu; replaces phenylalanine 1004 with leucine.
Molecular consequence: missense variant.
Genome position (GRCh38, 1-based): chr18:56,779,493, T>C. VCF-style: chr18-56779493-T-C. GRCh37 (hg19) VCF-style: chr18-54446724-T-C.
Other names: c.2911T>C, p.Phe971Leu (NM_001382485.1, NM_052834.3); c.3010T>C, p.Phe1004Leu (NM_001382487.1); short protein forms F971L, F1004L.
Identifiers: ClinVar variation 4984053 (VCV004984053.1).
Genomic context (GRCh38, chr18:56,779,493, plus strand): 5'-TGGAGTCAGTTAGCTGCTATGCACTGTGTTATGCTGCCAGACCTACTGGGATTGGATAAA[T>C]TTAGGCCTCCCCTTCTGGAGATGCTGGCCCGAAGATGGCAAGATCGATGCTTGGAGGTAA-3'
Protein context (NP_056100.2, residues 994-1014): MLPDLLGLDK[Phe1004Leu]RPPLLEMLAR